The following is an entry in ClinVar:

ClinVar aggregate classification (germline): Uncertain significance (1 of 4 stars; one submission).

Conditions:
Fanconi anemia (FA). Also called: Fanconi's anemia. Identifiers: Orphanet 84, MedGen C0015625, MeSH D005199, MONDO:0019391.

Allele frequency attached by ClinVar (database versions not stated): ExAC 0.00001.

Submission:

Labcorp Genetics (formerly Invitae), Labcorp
Classification: Uncertain significance for Fanconi anemia. Last evaluated: 2023-10-05. Review status: criteria provided, single submitter. Criteria: Invitae Variant Classification Sherloc (09022015). Collection method: clinical testing. Allele origin: germline.
Comment: This sequence change replaces serine, which is neutral and polar, with leucine, which is neutral and non-polar, at codon 1011 of the FANCI protein (p.Ser1011Leu). This variant is present in population databases (rs755961463, gnomAD 0.006%). This variant has not been reported in the literature in individuals affected with FANCI-related conditions. Algorithms developed to predict the effect of missense changes on protein structure and function output the following: SIFT: "Not Available"; PolyPhen-2: "Benign"; Align-GVGD: "Not Available". The leucine amino acid residue is found in multiple mammalian species, which suggests that this missense change does not adversely affect protein function. In summary, the available evidence is currently insufficient to determine the role of this variant in disease. Therefore, it has been classified as a Variant of Uncertain Significance.

NM_001113378.2(FANCI):c.3032C>T (p.Ser1011Leu)

Gene: FANCI (FA complementation group I; plus strand). Cytogenetic location: 15q26.1.
Variant type: single nucleotide variant.
Coding change: c.3032C>T on transcript NM_001113378.2 (MANE Select); coding-DNA position 3032, C replaced by T.
Protein change: p.Ser1011Leu; replaces serine 1011 with leucine.
Molecular consequence: missense variant.
Genome position (GRCh38, 1-based): chr15:89,303,889, C>T. VCF-style: chr15-89303889-C-T. GRCh37 (hg19) VCF-style: chr15-89847120-C-T.
Other names: c.2753C>T, p.Ser918Leu (NM_001376910.1); c.3032C>T, p.Ser1011Leu (NM_001376911.1); c.2852C>T, p.Ser951Leu (NM_018193.3); short protein forms S918L, S951L, S1011L.
Identifiers: ClinVar variation 2901798 (VCV002901798.3), dbSNP rs755961463, ClinGen allele CA7723561.
Genomic context (GRCh38, chr15:89,303,889, plus strand): 5'-ATGTTTCTTTAATATCTGAATGATCTCTAATTTAGTTTGTGCAGATGTTATCCTGGACAT[C>T]AAAGATTTGCAAGGAAAACAGCCGGGGTAAGTTTACTGCCATGTTTTCCTAAAGGCTTTA-3'
Protein context (NP_001106849.1, residues 1001-1021): PQFVQMLSWT[Ser1011Leu]KICKENSRED